The following is an entry in ClinVar:

ClinVar aggregate classification (germline): Benign/Likely benign. Review status: criteria provided, multiple submitters, no conflicts (2 of 4 stars). 14 submissions from 14 submitters: Benign (5); Likely benign (5). 4 of the submissions do not count toward it. Last evaluated 2026-07-01.

Conditions:
ADGRV1-related disorder. Also called: ADGRV1-related disorders; ADGRV1-related condition.
Craniosynostosis syndrome. Also called: Craniosynostosis. Identifiers: Orphanet 1531, MedGen C0010278, MeSH D003398, MONDO:0015469, HP:0001363.
Usher syndrome type 2C. Also called: Usher syndrome, type 2B; USHER SYNDROME, TYPE IIC. Identifiers: Orphanet 231178, Orphanet 886, MedGen C2931213, MONDO:0011558, OMIM 605472.

Allele frequency attached by ClinVar (database versions not stated): 1000 Genomes Project 0.00140; TOPMed 0.00280; ESP Exome Variant Server 0.00301; 1000 Genomes Project 30x 0.00141.
gnomAD v4.1: 5,898 of 1,390,998 alleles (0.42%); highest among the groups gnomAD compares: Non-Finnish European, 0.51%; 18 homozygotes.

Submissions (14):

CeGaT Center for Human Genetics Tuebingen
Classification: Likely benign. Last evaluated: 2026-07-01. Review status: criteria provided, single submitter. Criteria: CeGaT Center For Human Genetics Tuebingen Variant Classification Criteria Version 2. Collection method: clinical testing. Allele origin: germline. Affected: yes. Observed: 10 variant alleles.
Comment: ADGRV1: BP4, BS2

Labcorp Genetics (formerly Invitae), Labcorp
Classification: Likely benign. Last evaluated: 2026-02-04. Review status: criteria provided, single submitter. Criteria: Invitae Variant Classification Sherloc (09022015). Collection method: clinical testing. Allele origin: germline.

Illumina Laboratory Services, Illumina
Classification: Benign for Usher syndrome type 2C. Last evaluated: 2025-04-08. Review status: criteria provided, single submitter. Criteria: ICSLVariantClassificationCriteria RUGD 01 April 2020. Collection method: clinical testing. Allele origin: unknown.

Blueprint Genetics
Classification: Likely benign. Last evaluated: 2024-11-21. Review status: criteria provided, single submitter. Criteria: ACMG Guidelines, 2015. Collection method: clinical testing. Allele origin: germline.

Athena Diagnostics
Classification: Benign. Last evaluated: 2024-04-05. Review status: criteria provided, single submitter. Criteria: Athena Diagnostics Criteria. Collection method: clinical testing. Allele origin: unknown.

Cambridge Genomics Laboratory, East Genomic Laboratory Hub, NHS Genomic Medicine Service
Classification: Likely benign for Craniosynostosis syndrome. Last evaluated: 2019-04-17. Review status: criteria provided, single submitter. Criteria: ACGS Best Practice Guidelines for Variant Classification in Rare Disease 2020. Collection method: clinical testing. Allele origin: germline. Affected: yes. Observed: 1 variant allele.

GeneDx
Classification: Benign. Last evaluated: 2018-07-20. Review status: criteria provided, single submitter. Criteria: GeneDx Variant Classification Process June 2021. Collection method: clinical testing. Allele origin: germline. Affected: yes.
Comment: This variant is associated with the following publications: (PMID: 32707200)

Center for Pediatric Genomic Medicine, Children's Mercy Hospital and Clinics
Classification: Likely benign. Last evaluated: 2016-09-13. Review status: criteria provided, single submitter. Criteria: ACMG Guidelines, 2015. Collection method: clinical testing. Allele origin: germline.
ClinVar note: Converted during submission from Likely Benign to Likely benign.

Eurofins Ntd Llc (ga)
Classification: Benign. Last evaluated: 2014-10-31. Review status: criteria provided, single submitter. Criteria: EGL Classification Definitions 2015. Collection method: clinical testing. Allele origin: germline. Observed: 1 variant allele, 1 heterozygote.

Laboratory for Molecular Medicine, Mass General Brigham Personalized Medicine
Classification: Benign. Last evaluated: 2012-04-30. Review status: criteria provided, single submitter. Criteria: LMM Criteria. Collection method: clinical testing. Allele origin: germline. Observed: 6 variant alleles.
Comment: Lys5673Glu in Exon 78 of GPR98: This variant is not expected to have clinical si gnificance because it has been identified in 0.4% (25/6622) of European American chromosomes from a broad population by the NHLBI Exome Sequencing Project (dbSNP rs41303350).

PreventionGenetics, part of Exact Sciences
Classification: Likely benign for ADGRV1-related condition. Last evaluated: 2019-05-14. Review status: no assertion criteria provided. Collection method: clinical testing. Allele origin: germline. Not counted in ClinVar's aggregate classification.
Comment: This variant is classified as likely benign based on ACMG/AMP sequence variant interpretation guidelines (Richards et al. 2015 PMID: 25741868, with internal and published modifications).

Clinical Genetics DNA and cytogenetics Diagnostics Lab, Erasmus MC, Erasmus Medical Center
Classification: Likely benign. Review status: no assertion criteria provided. Collection method: clinical testing. Allele origin: germline. Affected: yes. Study: VKGL Data-share Consensus. Not counted in ClinVar's aggregate classification.

Clinical Genetics, Academic Medical Center
Classification: Benign. Review status: no assertion criteria provided. Collection method: clinical testing. Allele origin: germline. Affected: yes. Study: VKGL Data-share Consensus. Not counted in ClinVar's aggregate classification.

Genome Diagnostics Laboratory, University Medical Center Utrecht
Classification: Likely benign. Review status: no assertion criteria provided. Collection method: clinical testing. Allele origin: germline. Affected: yes. Study: VKGL Data-share Consensus. Not counted in ClinVar's aggregate classification.

Literature cited by the submitters: PubMed 31404076 (cited by Athena Diagnostics).

NM_032119.4(ADGRV1):c.17017A>G (p.Lys5673Glu)

Gene: ADGRV1 (adhesion G protein-coupled receptor V1; plus strand). Cytogenetic location: 5q14.3.
Variant type: single nucleotide variant.
Coding change: c.17017A>G on transcript NM_032119.4 (MANE Select); coding-DNA position 17017, A replaced by G.
Protein change: p.Lys5673Glu; replaces lysine 5673 with glutamic acid.
Molecular consequence: missense variant. On other transcripts: non-coding transcript variant (1).
Genome position (GRCh38, 1-based): chr5:90,840,983, A>G. VCF-style: chr5-90840983-A-G. GRCh37 (hg19) VCF-style: chr5-90136800-A-G.
Other names: short protein forms K5673E.
Identifiers: ClinVar variation 46288 (VCV000046288.57), dbSNP rs41303350, ClinGen allele CA138063.